The following is an entry in ClinVar:

NM_032043.3(BRIP1):c.894C>G (p.Cys298Trp)

Gene: BRIP1 (BRCA1 interacting DNA helicase 1; minus strand). Cytogenetic location: 17q23.2.
Variant type: single nucleotide variant.
Coding change: c.894C>G on transcript NM_032043.3 (MANE Select); coding-DNA position 894, C replaced by G.
Protein change: p.Cys298Trp; replaces cysteine 298 with tryptophan.
Molecular consequence: missense variant.
Genome position (GRCh38, 1-based): chr17:61,808,491, G>C on the plus strand (C>G on the coding strand, the complement: BRIP1 is on the minus strand). VCF-style: chr17-61808491-G-C. GRCh37 (hg19) VCF-style: chr17-59885852-G-C.
Other names: short protein forms C298W.
Identifiers: ClinVar variation 2947700 (VCV002947700.4), dbSNP rs2078107086, ClinGen allele CA400484686.

ClinVar aggregate classification (germline): Uncertain significance. Review status: criteria provided, multiple submitters, no conflicts (2 of 4 stars). 2 submissions from 2 submitters: Uncertain significance (2). Last evaluated 2025-05-31.

Conditions:
Hereditary cancer-predisposing syndrome. Also called: Hereditary neoplastic syndrome; Neoplastic Syndromes, Hereditary; Tumor predisposition; Hereditary Cancer Syndrome. Identifiers: Orphanet 140162, MedGen C0027672, MeSH D009386, MONDO:0015356.
Fanconi anemia complementation group J. Also called: BRIP1-Related Fanconi Anemia. Identifiers: Orphanet 84, MedGen C1836860, MONDO:0012187, OMIM 609054.
Familial cancer of breast. Also called: BREAST CANCER, FAMILIAL; Hereditary breast cancer; hereditary breast carcinoma. Identifiers: Orphanet 227535, MedGen C0346153, MONDO:0016419, OMIM 114480. Disease mechanism: loss of function.

Submissions (2):

Ambry Genetics
Classification: Uncertain significance for Hereditary cancer-predisposing syndrome. Last evaluated: 2025-05-31. Review status: criteria provided, single submitter. Criteria: Ambry Variant Classification Scheme 2023. Collection method: clinical testing. Allele origin: germline.
Comment: The p.C298W variant (also known as c.894C>G), located in coding exon 6 of the BRIP1 gene, results from a C to G substitution at nucleotide position 894. The cysteine at codon 298 is replaced by tryptophan, an amino acid with highly dissimilar properties. This amino acid position is conserved. In addition, this alteration is predicted to be deleterious by in silico analysis. Based on the available evidence, the clinical significance of this variant remains unclear.

Labcorp Genetics (formerly Invitae), Labcorp
Classification: Uncertain significance for Familial cancer of breast; Fanconi anemia complementation group J. Last evaluated: 2023-05-13. Review status: criteria provided, single submitter. Criteria: Invitae Variant Classification Sherloc (09022015). Collection method: clinical testing. Allele origin: germline.
Comment: In summary, the available evidence is currently insufficient to determine the role of this variant in disease. Therefore, it has been classified as a Variant of Uncertain Significance. Advanced modeling of protein sequence and biophysical properties (such as structural, functional, and spatial information, amino acid conservation, physicochemical variation, residue mobility, and thermodynamic stability) performed at Invitae indicates that this missense variant is expected to disrupt BRIP1 protein function. This variant has not been reported in the literature in individuals affected with BRIP1-related conditions. This variant is not present in population databases (gnomAD no frequency). This sequence change replaces cysteine, which is neutral and slightly polar, with tryptophan, which is neutral and slightly polar, at codon 298 of the BRIP1 protein (p.Cys298Trp).